The following is an entry in ClinVar:

NM_022437.3(ABCG8):c.964+3G>A

Gene: ABCG8 (ATP binding cassette subfamily G member 8; plus strand). Cytogenetic location: 2p21.
Variant type: single nucleotide variant.
Coding change: c.964+3G>A on transcript NM_022437.3 (MANE Select); 3 bases into the intron after coding-DNA position 964, G replaced by A.
Molecular consequence: intron variant.
Genome position (GRCh38, 1-based): chr2:43,852,871, G>A. VCF-style: chr2-43852871-G-A. GRCh37 (hg19) VCF-style: chr2-44080010-G-A.
Other names: c.964+3G>A (NM_001357321.2).
Identifiers: ClinVar variation 1446851 (VCV001446851.6), dbSNP rs1356721220, ClinGen allele CA532703137.

ClinVar aggregate classification (germline): Uncertain significance (1 of 4 stars; one submission).

Allele frequency attached by ClinVar (database versions not stated): gnomAD exomes below 0.00001; TOPMed below 0.00001.

Submission:

Labcorp Genetics (formerly Invitae), Labcorp
Classification: Uncertain significance. Last evaluated: 2020-12-16. Review status: criteria provided, single submitter. Criteria: Invitae Variant Classification Sherloc (09022015). Collection method: clinical testing. Allele origin: germline.
Comment: In summary, the available evidence is currently insufficient to determine the role of this variant in disease. Therefore, it has been classified as a Variant of Uncertain Significance. Nucleotide substitutions within the consensus splice site are a relatively common cause of aberrant splicing (PMID: 17576681, 9536098). Algorithms developed to predict the effect of sequence changes on RNA splicing suggest that this variant is not likely to affect RNA splicing, but this prediction has not been confirmed by published transcriptional studies. This variant has not been reported in the literature in individuals with ABCG8-related conditions. This variant is not present in population databases (ExAC no frequency). This sequence change falls in intron 6 of the ABCG8 gene. It does not directly change the encoded amino acid sequence of the ABCG8 protein. It affects a nucleotide within the consensus splice site of the intron.

Literature cited by the submitters: PubMed 17576681; PubMed 9536098.